The following is an entry in ClinVar:

ClinVar aggregate classification (germline): Pathogenic (1 of 4 stars; one submission).

Conditions:
Hereditary factor XI deficiency disease. Also called: PLASMA THROMBOPLASTIN ANTECEDENT DEFICIENCY; PTA DEFICIENCY; ROSENTHAL SYNDROME; Congenital factor XI deficiency. Identifiers: Orphanet 329, MedGen C0015523, MeSH D005173, MONDO:0012897, OMIM 612416.

Submission:

Myriad Genetics, Inc.
Classification: Pathogenic for Hereditary factor XI deficiency disease. Last evaluated: 2024-05-14. Review status: criteria provided, single submitter. Criteria: Myriad Autosomal Dominant, Autosomal Recessive and X-Linked Classification Criteria (2023). Collection method: clinical testing. Allele origin: unknown.
Comment: NM_000128.3(F11):c.1197_1198ins14(P400Sfs*9) is expected to be pathogenic in the context of factor XI deficiency. This variant is predicted to lead to an abnormal or absent protein product due to the creation of a premature termination codon in F11, a gene where loss-of-function variants are known to be pathogenic. Please note: this variant was assessed in the context of healthy population screening.

NM_000128.4(F11):c.1197_1198insTCTCTTATACACAT (p.Pro400fs)

Gene: F11 (coagulation factor XI; plus strand). Cytogenetic location: 4q35.2.
Variant type: Insertion.
Coding change: c.1197_1198insTCTCTTATACACAT on transcript NM_000128.4 (MANE Select); coding-DNA positions 1197 to 1198, TCTCTTATACACAT inserted.
Protein change: p.Pro400fs; shifts the reading frame from proline 400.
Molecular consequence: frameshift variant.
Genome position: GRCh38 VCF-style: chr4-186284153-G-GTCTCTTATACACAT. GRCh37 (hg19) VCF-style: chr4-187205307-G-GTCTCTTATACACAT.
Other names: c.1149_1150insTCTCTTATACACAT, p.Pro384fs (NM_001440590.1, NM_001440596.1); c.1197_1198insTCTCTTATACACAT, p.Pro400fs (NM_001440593.1); c.927_928insTCTCTTATACACAT, p.Pro310fs (NM_001440605.1, NM_001440607.1); c.879_880insTCTCTTATACACAT, p.Pro294fs (NM_001440606.1, NM_001440608.1); short protein forms P294fs, P310fs, P384fs, P400fs.
Identifiers: ClinVar variation 5010743 (VCV005010743.1).